The following is an entry in ClinVar:

ClinVar aggregate classification (germline): Uncertain significance. Review status: criteria provided, multiple submitters, no conflicts (2 of 4 stars). 2 submissions from 2 submitters: Uncertain significance (2). Last evaluated 2025-11-22.

Conditions:
Mucopolysaccharidosis, MPS-II (MPS2). Also called: Mucopolysaccharidosis type 2; IDS deficiency; Sulfoiduronate sulfatase deficiency; SIDS deficiency; Mucopolysaccharidosis with skin involvement; Attenuated MPS (subtype; formerly known as mild MPS II). Identifiers: Orphanet 580, Orphanet 79388, MedGen C0026705, MONDO:0010674, OMIM 309900.

Submissions (2):

Labcorp Genetics (formerly Invitae), Labcorp
Classification: Uncertain significance for Mucopolysaccharidosis, MPS-II. Last evaluated: 2025-11-22. Review status: criteria provided, single submitter. Criteria: Invitae Variant Classification Sherloc (09022015). Collection method: clinical testing. Allele origin: germline.
Comment: This sequence change replaces proline, which is neutral and non-polar, with serine, which is neutral and polar, at codon 480 of the IDS protein (p.Pro480Ser). This variant is present in population databases (rs782107496, gnomAD 0.003%). This missense change has been observed in individual(s) with a positive newborn screening result for IDS-related disease (internal data). ClinVar contains an entry for this variant (Variation ID: 4078962). Invitae Evidence Modeling of protein sequence and biophysical properties (such as structural, functional, and spatial information, amino acid conservation, physicochemical variation, residue mobility, and thermodynamic stability) indicates that this missense variant is expected to disrupt IDS protein function with a positive predictive value of 80%. This variant disrupts the p.Pro480 amino acid residue in IDS. Other variant(s) that disrupt this residue have been determined to be pathogenic (PMID: 9660053). This suggests that this residue is clinically significant, and that variants that disrupt this residue are likely to be disease-causing. In summary, the available evidence is currently insufficient to determine the role of this variant in disease. Therefore, it has been classified as a Variant of Uncertain Significance.

Revvity Omics, Revvity
Classification: Uncertain significance for Mucopolysaccharidosis, MPS-II. Last evaluated: 2024-03-01. Review status: criteria provided, single submitter. Criteria: ACMG Guidelines, 2015. Collection method: clinical testing. Allele origin: germline.

Literature cited by the submitters: PubMed 9660053 (cited by Labcorp Genetics (formerly Invitae), Labcorp).

NM_000202.8(IDS):c.1438C>T (p.Pro480Ser)

Gene: IDS (iduronate 2-sulfatase; minus strand). Cytogenetic location: Xq28.
Variant type: single nucleotide variant.
Coding change: c.1438C>T on transcript NM_000202.8 (MANE Select); coding-DNA position 1438, C replaced by T.
Protein change: p.Pro480Ser; replaces proline 480 with serine.
Molecular consequence: missense variant.
Genome position (GRCh38, 1-based): chrX:149,482,961, G>A on the plus strand (C>T on the coding strand, the complement: IDS is on the minus strand). VCF-style: chrX-149482961-G-A. GRCh37 (hg19) VCF-style: chrX-148564492-G-A.
Other names: c.1168C>T, p.Pro390Ser (NM_001166550.4); short protein forms P390S, P480S.
Identifiers: ClinVar variation 4078962 (VCV004078962.2).